The following is an entry in ClinVar:

ClinVar aggregate classification (germline): Uncertain significance (1 of 4 stars; one submission).

Conditions:
Inborn genetic diseases. Identifiers: MedGen C0950123, MeSH D030342.

Allele frequency attached by ClinVar (database versions not stated): gnomAD exomes below 0.00001; gnomAD 0.00001; TOPMed 0.00002.
gnomAD v4.1: 8 of 1,542,996 alleles (0.00052%); highest among the groups gnomAD compares: African/African-American, 0.0084%; no homozygotes.

Submission:

Ambry Genetics
Classification: Uncertain significance for Inborn genetic diseases. Last evaluated: 2023-06-15. Review status: criteria provided, single submitter. Criteria: Ambry Variant Classification Scheme 2023. Collection method: clinical testing. Allele origin: germline.
Comment: The c.745-6T>C intronic alteration consists of a T to C substitution 6 nucleotides before coding exon <NA> in the SHANK2 gene. Based on insufficient or conflicting evidence, the clinical significance of this alteration remains unclear.

NM_012309.5(SHANK2):c.745-6T>C

Gene: SHANK2 (SH3 and multiple ankyrin repeat domains 2; minus strand). Cytogenetic location: 11q13.4.
Variant type: single nucleotide variant.
Coding change: c.745-6T>C on transcript NM_012309.5 (MANE Select); 6 bases into the intron before coding-DNA position 745, T replaced by C.
Molecular consequence: intron variant.
Genome position (GRCh38, 1-based): chr11:71,092,595, A>G on the plus strand (T>C on the coding strand, the complement: SHANK2 is on the minus strand). VCF-style: chr11-71092595-A-G. GRCh37 (hg19) VCF-style: chr11-70803641-A-G.
Identifiers: ClinVar variation 2603868 (VCV002603868.2), dbSNP rs1194050995, ClinGen allele CA600170316.